The following is an entry in ClinVar:

ClinVar aggregate classification (germline): Uncertain significance (1 of 4 stars; one submission).

Conditions:
Cardiovascular phenotype. Identifiers: MedGen CN230736.

Submission:

Ambry Genetics
Classification: Uncertain significance for Cardiovascular phenotype. Last evaluated: 2025-05-24. Review status: criteria provided, single submitter. Criteria: Ambry Variant Classification Scheme 2023. Collection method: clinical testing. Allele origin: germline.
Comment: The p.S525F variant (also known as c.1574C>T), located in coding exon 5 of the ALPK3 gene, results from a C to T substitution at nucleotide position 1574. The serine at codon 525 is replaced by phenylalanine, an amino acid with highly dissimilar properties. This amino acid position is conserved. In addition, this alteration is predicted to be tolerated by in silico analysis. Based on the available evidence, the clinical significance of this variant remains unclear.

NM_020778.5(ALPK3):c.968C>T (p.Ser323Phe)

Gene: ALPK3 (alpha kinase 3; plus strand). Cytogenetic location: 15q25.3.
Variant type: single nucleotide variant.
Coding change: c.968C>T on transcript NM_020778.5 (MANE Select); coding-DNA position 968, C replaced by T.
Protein change: p.Ser323Phe; replaces serine 323 with phenylalanine.
Molecular consequence: missense variant.
Genome position (GRCh38, 1-based): chr15:84,840,247, C>T. VCF-style: chr15-84840247-C-T. GRCh37 (hg19) VCF-style: chr15-85383478-C-T.
Other names: short protein forms S323F.
Identifiers: ClinVar variation 4044869 (VCV004044869.1).